The following is an entry in ClinVar:

NC_000014.8:g.(?_78028719)_(78028852_?)del

Gene: SPTLC2 (serine palmitoyltransferase long chain base subunit 2; minus strand). Cytogenetic location: 14q24.3.
Variant type: Deletion.
Identifiers: ClinVar variation 3244014 (VCV003244014.1).

ClinVar aggregate classification (germline): Uncertain significance (1 of 4 stars; one submission).

Conditions:
Neuropathy, hereditary sensory and autonomic, type 1C. Also called: HSAN IC; HSN IC. Identifiers: Orphanet 36386, MedGen C3150896, MONDO:0013337, OMIM 613640.

Submission:

Labcorp Genetics (formerly Invitae), Labcorp
Classification: Uncertain significance for Neuropathy, hereditary sensory and autonomic, type 1C. Last evaluated: 2023-04-27. Review status: criteria provided, single submitter. Criteria: Invitae Variant Classification Sherloc (09022015). Collection method: clinical testing. Allele origin: unknown.
Comment: In summary, the available evidence is currently insufficient to determine the role of this variant in disease. Therefore, it has been classified as a Variant of Uncertain Significance. This variant has not been reported in the literature in individuals affected with SPTLC2-related conditions. This variant is a gross deletion of the genomic region encompassing exon(s) 6 of the SPTLC2 gene. This deletion is out-of-frame, and is expected to create a premature translational stop signal and result in an absent or disrupted protein product. However, the current clinical and genetic evidence is not sufficient to establish whether loss-of-function variants in SPTLC2 cause disease.